The following is an entry in ClinVar:

NM_000551.4(VHL):c.303G>A (p.Leu101=)

Gene: VHL (von Hippel-Lindau tumor suppressor; plus strand). Cytogenetic location: 3p25.3.
Variant type: single nucleotide variant.
Coding change: c.303G>A on transcript NM_000551.4 (MANE Select); coding-DNA position 303, G replaced by A.
Protein change: p.Leu101=; no amino-acid change (leucine 101 retained).
Molecular consequence: synonymous variant.
Genome position (GRCh38, 1-based): chr3:10,142,150, G>A. VCF-style: chr3-10142150-G-A. GRCh37 (hg19) VCF-style: chr3-10183834-G-A.
Other names: c.303G>A, p.Leu101= (NM_001354723.2, NM_198156.3).
Identifiers: ClinVar variation 1105331 (VCV001105331.12), dbSNP rs766583052, ClinGen allele CA70046260.

ClinVar aggregate classification (germline): Benign/Likely benign. Review status: criteria provided, multiple submitters, no conflicts (2 of 4 stars). 3 submissions from 3 submitters: Benign (1); Likely benign (2). Last evaluated 2025-08-01.

Conditions:
Chuvash polycythemia. Also called: POLYCYTHEMIA, VHL-DEPENDENT. Identifiers: Orphanet 238557, MedGen C1837915, MONDO:0009892, OMIM 263400.
Von Hippel-Lindau syndrome (VHLS). Also called: von Hippel–Lindau syndrome; VHL syndrome; Von Hippel-Lindau. Identifiers: Orphanet 892, MedGen C0019562, MONDO:0008667, OMIM 193300. Disease mechanism: loss of function.
Hereditary cancer-predisposing syndrome. Also called: Hereditary neoplastic syndrome; Tumor predisposition; Neoplastic Syndromes, Hereditary; Hereditary Cancer Syndrome. Identifiers: Orphanet 140162, MedGen C0027672, MeSH D009386, MONDO:0015356.

Submissions (3):

Labcorp Genetics (formerly Invitae), Labcorp
Classification: Likely benign for Von Hippel-Lindau syndrome; Chuvash polycythemia. Last evaluated: 2025-08-01. Review status: criteria provided, single submitter. Criteria: Invitae Variant Classification Sherloc (09022015). Collection method: clinical testing. Allele origin: germline.

Myriad Genetics, Inc.
Classification: Benign for Von Hippel-Lindau syndrome. Last evaluated: 2025-06-11. Review status: criteria provided, single submitter. Criteria: Myriad Autosomal Dominant, Autosomal Recessive and X-Linked Classification Criteria (2023). Collection method: clinical testing. Allele origin: unknown.
Comment: This variant is considered benign. This variant is a silent/synonymous amino acid change and it is not expected to impact splicing.

Ambry Genetics
Classification: Likely benign for Hereditary cancer-predisposing syndrome. Last evaluated: 2019-09-16. Review status: criteria provided, single submitter. Criteria: Ambry Variant Classification Scheme 2023. Collection method: clinical testing. Allele origin: germline.